The following is an entry in ClinVar:

NC_000002.11:g.(?_165946660)_(166153665_?)del

Genes: SCN3A (sodium voltage-gated channel alpha subunit 3; minus strand), SCN2A (sodium voltage-gated channel alpha subunit 2; plus strand). Cytogenetic location: 2q24.3.
Variant type: Deletion.
Identifiers: ClinVar variation 1454182 (VCV001454182.6).

ClinVar aggregate classification (germline): Pathogenic (1 of 4 stars; one submission).

Conditions:
Seizures, benign familial infantile, 3 (BFIS3). Also called: CONVULSIONS, BENIGN FAMILIAL INFANTILE, 3; Familial neonatal seizures. Identifiers: Orphanet 140927, Orphanet 306, MedGen C1843140, MONDO:0011904, OMIM 607745.
Developmental and epileptic encephalopathy, 11 (DEE11). Also called: Early infantile epileptic encephalopathy 11. Identifiers: Orphanet 1934, MedGen C3150987, MONDO:0013388, OMIM 613721.

Submission:

Labcorp Genetics (formerly Invitae), Labcorp
Classification: Pathogenic for Seizures, benign familial infantile, 3; Developmental and epileptic encephalopathy, 11. Last evaluated: 2022-11-08. Review status: criteria provided, single submitter. Criteria: Invitae Variant Classification Sherloc (09022015). Collection method: clinical testing. Allele origin: germline.
Comment: For these reasons, this variant has been classified as Pathogenic. This variant has not been reported in the literature in individuals affected with SCN2A-related conditions. This variant is a gross deletion of the genomic region encompassing exon(s) 1-3 of the SCN2A gene, which includes the initiator codon. This deletion extends beyond the assayed region for this gene and therefore may encompass additional genes. It is expected to result in an absent or disrupted protein product. Loss-of-function variants in SCN2A are known to be pathogenic (PMID: 28379373).

Literature cited by the submitters: PubMed 28379373.